The following is an entry in ClinVar:

ClinVar aggregate classification (germline): Uncertain significance. Review status: criteria provided, multiple submitters, no conflicts (2 of 4 stars). 2 submissions from 2 submitters: Uncertain significance (2). Last evaluated 2025-11-15.

Conditions:
Insulin-dependent diabetes mellitus secretory diarrhea syndrome (IPEX). Also called: IMMUNODEFICIENCY, POLYENDOCRINOPATHY, AND ENTEROPATHY, X-LINKED; DIABETES MELLITUS, CONGENITAL INSULIN-DEPENDENT, WITH FATAL SECRETORY DIARRHEA; DIARRHEA, POLYENDOCRINOPATHY, FATAL INFECTION SYNDROME, X-LINKED; ENTEROPATHY, AUTOIMMUNE, WITH HEMOLYTIC ANEMIA AND POLYENDOCRINOPATHY; IPEX and IPEX-Like; Immunodeficiency, Polyendocrinopathy, and Enteropathy X-Linked Syndrome. Identifiers: Orphanet 37042, MedGen C0342288, MONDO:0010580, OMIM 304790. Disease mechanism: loss of function.

Allele frequency attached by ClinVar (database versions not stated): gnomAD exomes below 0.00001 and 0.00001; TOPMed 0.00001; gnomAD 0.00002.
gnomAD v4.1: 5 of 1,206,630 alleles (0.00041%); highest among the groups gnomAD compares: African/African-American, 0.0087%; no homozygotes.

Submissions (2):

Labcorp Genetics (formerly Invitae), Labcorp
Classification: Uncertain significance for Insulin-dependent diabetes mellitus secretory diarrhea syndrome. Last evaluated: 2025-11-15. Review status: criteria provided, single submitter. Criteria: Invitae Variant Classification Sherloc (09022015). Collection method: clinical testing. Allele origin: germline.
Comment: This sequence change replaces serine, which is neutral and polar, with phenylalanine, which is neutral and non-polar, at codon 275 of the FOXP3 protein (p.Ser275Phe). The frequency data for this variant in the population databases is considered unreliable, as metrics indicate poor data quality at this position in the gnomAD database. This variant has not been reported in the literature in individuals affected with FOXP3-related conditions. ClinVar contains an entry for this variant (Variation ID: 1011715). Invitae Evidence Modeling of protein sequence and biophysical properties (such as structural, functional, and spatial information, amino acid conservation, physicochemical variation, residue mobility, and thermodynamic stability) indicates that this missense variant is not expected to disrupt FOXP3 protein function with a negative predictive value of 80%. In summary, the available evidence is currently insufficient to determine the role of this variant in disease. Therefore, it has been classified as a Variant of Uncertain Significance.

GeneDx
Classification: Uncertain significance. Last evaluated: 2023-11-01. Review status: criteria provided, single submitter. Criteria: GeneDx Variant Classification Process June 2021. Collection method: clinical testing. Allele origin: germline. Affected: yes.
Comment: Not observed at significant frequency in large population cohorts (gnomAD); In silico analysis supports that this missense variant has a deleterious effect on protein structure/function

NM_014009.4(FOXP3):c.824C>T (p.Ser275Phe)

Gene: FOXP3 (forkhead box P3; minus strand). Cytogenetic location: Xp11.23.
Variant type: single nucleotide variant.
Coding change: c.824C>T on transcript NM_014009.4 (MANE Select); coding-DNA position 824, C replaced by T.
Protein change: p.Ser275Phe; replaces serine 275 with phenylalanine.
Molecular consequence: missense variant.
Genome position (GRCh38, 1-based): chrX:49,254,060, G>A on the plus strand (C>T on the coding strand, the complement: FOXP3 is on the minus strand). VCF-style: chrX-49254060-G-A. GRCh37 (hg19) VCF-style: chrX-49110521-G-A.
Other names: c.719C>T, p.Ser240Phe (NM_001114377.2); c.824C>T (NM_014009.3); short protein forms S240F, S275F.
Identifiers: ClinVar variation 1011715 (VCV001011715.7), dbSNP rs1395972442, ClinGen allele CA412950827.
Genomic context (GRCh38, chrX:49,254,060, plus strand): 5'-CAGGCTGGGACGACAGGGCCTTGGCTGCCAGCAGCTACGATGCAGCAGGAGCCCTTGTCG[G>A]ATGATGCCTGGGTGAGGGGGAGAGGCTGGTGACCCAGAGGCTTAAACTTCCCACTTTTTA-3'
Protein context (NP_054728.2, residues 265-285): ALTKASSVAS[Ser275Phe]DKGSCCIVAA